The following is an entry in ClinVar:

NM_006031.6(PCNT):c.5632G>C (p.Asp1878His)

Gene: PCNT (pericentrin; plus strand). Cytogenetic location: 21q22.3.
Variant type: single nucleotide variant.
Coding change: c.5632G>C on transcript NM_006031.6 (MANE Select); coding-DNA position 5632, G replaced by C.
Protein change: p.Asp1878His; replaces aspartic acid 1878 with histidine.
Molecular consequence: missense variant.
Genome position (GRCh38, 1-based): chr21:46,411,705, G>C. VCF-style: chr21-46411705-G-C. GRCh37 (hg19) VCF-style: chr21-47831619-G-C.
Other names: c.5278G>C, p.Asp1760His (NM_001315529.2); c.5632G>C (NM_006031.5); short protein forms D1760H, D1878H.
Identifiers: ClinVar variation 2434615 (VCV002434615.4), dbSNP rs756428673, ClinGen allele CA410555356.
Genomic context (GRCh38, chr21:46,411,705, plus strand): 5'-GAGTTCGAAGCGGCCCTGAAAGCAAAGGAAGCGACGATTGCCGAGAGAAATTTAGAAATC[G>C]ACGCTCTGAACCAGCGGAAGGCGGCCCACTCTGCCGAGCTGGAGGCCGTCCTGTTGGCCT-3'
Protein context (NP_006022.3, residues 1868-1888): ATIAERNLEI[Asp1878His]ALNQRKAAHS

ClinVar aggregate classification (germline): Uncertain significance. Review status: criteria provided, multiple submitters, no conflicts (2 of 4 stars). 2 submissions from 2 submitters: Uncertain significance (2). Last evaluated 2026-07-02.

Conditions:
Microcephalic osteodysplastic primordial dwarfism type II (MOPD2). Also called: MOPD II; OSTEODYSPLASTIC PRIMORDIAL DWARFISM, TYPE II; Microcephalic osteodysplastic primordial dwarfism with tooth abnormalities. Identifiers: Orphanet 2637, MedGen C0432246, MONDO:0008872, OMIM 210720.
PCNT-related disorder. Also called: PCNT-related condition.

Allele frequency attached by ClinVar (database versions not stated): gnomAD 0.00001.
gnomAD v4.1: 6 of 1,612,648 alleles (0.00037%); highest among the groups gnomAD compares: South Asian, 0.0044%; no homozygotes.

Submissions (2):

PreventionGenetics, part of Exact Sciences
Classification: Uncertain significance for PCNT-related condition. Last evaluated: 2026-07-02. Review status: criteria provided, single submitter. Criteria: ACMG Guidelines, 2015. Collection method: clinical testing. Allele origin: germline.
Comment: The PCNT c.5632G>C variant is predicted to result in the amino acid substitution p.Asp1878His. To our knowledge, this variant has not been reported in the literature or in a large population database (gnomAD), indicating this variant is rare. At this time, the clinical significance of this variant is uncertain due to the absence of conclusive functional and genetic evidence.

Revvity Omics, Revvity
Classification: Uncertain significance for Microcephalic osteodysplastic primordial dwarfism type II. Last evaluated: 2021-06-12. Review status: criteria provided, single submitter. Criteria: ACMG Guidelines, 2015. Collection method: clinical testing. Allele origin: germline.